The following is an entry in ClinVar:

ClinVar aggregate classification (germline): Pathogenic (1 of 4 stars; one submission).

Submission:

Labcorp Genetics (formerly Invitae), Labcorp
Classification: Pathogenic. Last evaluated: 2022-11-17. Review status: criteria provided, single submitter. Criteria: Invitae Variant Classification Sherloc (09022015). Collection method: clinical testing. Allele origin: germline.
Comment: For these reasons, this variant has been classified as Pathogenic. This premature translational stop signal has been observed in individual(s) with autosomal recessive retinitis pigmentosa (PMID: 31079053). This variant is not present in population databases (gnomAD no frequency). This sequence change creates a premature translational stop signal (p.Phe48Serfs*33) in the RP1 gene. It is expected to result in an absent or disrupted protein product. Loss-of-function variants in RP1 are known to be pathogenic (PMID: 11960024, 19933189).

Literature cited by the submitters: PubMed 31079053; PubMed 11960024; PubMed 19933189.

NM_006269.2(RP1):c.143del (p.Phe48fs)

Gene: RP1 (RP1 axonemal microtubule associated; plus strand). Cytogenetic location: 8q12.1.
Variant type: Deletion.
Coding change: c.143del on transcript NM_006269.2 (MANE Select); coding-DNA position 143, one base deleted (T; older notation c.143delT).
Protein change: p.Phe48fs; shifts the reading frame from phenylalanine 48.
Molecular consequence: frameshift variant.
Genome position (GRCh38, 1-based): chr8:54,621,109, T deleted; the last of 2 consecutive T bases (chr8:54,621,108-54,621,109); deleting either gives the same sequence. VCF-style (leftmost placement, unchanged base first): chr8-54621107-AT-A. GRCh37 (hg19) VCF-style: chr8-55533667-AT-A.
Other names: c.143del, p.Phe48fs (NM_001375654.1); short protein forms F48fs.
Identifiers: ClinVar variation 2972606 (VCV002972606.3), dbSNP rs2536555559, ClinGen allele CA2695209490.